The following is an entry in ClinVar:

NM_001851.6(COL9A1):c.2271G>A (p.Pro757=)

Gene: COL9A1 (collagen type IX alpha 1 chain; minus strand). Cytogenetic location: 6q13.
Variant type: single nucleotide variant.
Coding change: c.2271G>A on transcript NM_001851.6 (MANE Select); coding-DNA position 2271, G replaced by A.
Protein change: p.Pro757=; no amino-acid change (proline 757 retained).
Molecular consequence: synonymous variant. On other transcripts: non-coding transcript variant (1).
Genome position (GRCh38, 1-based): chr6:70,234,582, C>T on the plus strand (G>A on the coding strand, the complement: COL9A1 is on the minus strand). VCF-style: chr6-70234582-C-T. GRCh37 (hg19) VCF-style: chr6-70944285-C-T.
Other names: p.Pro757=; c.2271G>A (NM_001851.5); c.1572G>A, p.Pro524= (NM_001377289.1); c.1395G>A, p.Pro465= (NM_001377290.1); c.1542G>A, p.Pro514= (NM_078485.4).
Identifiers: ClinVar variation 166949 (VCV000166949.19), dbSNP rs2072650, ClinGen allele CA179927.

ClinVar aggregate classification (germline): Benign. Review status: criteria provided, multiple submitters, no conflicts (2 of 4 stars). 7 submissions from 7 submitters: Benign (7). Last evaluated 2026-05-11.

Conditions:
Connective tissue disorder. Also called: Connective tissue disease. Identifiers: MedGen C0009782, MONDO:0003900.

Allele frequency attached by ClinVar (database versions not stated): gnomAD exomes 0.02535; 1000 Genomes Project 0.04034; ESP Exome Variant Server 0.00807; gnomAD 0.01180 and 0.01507; 1000 Genomes Project 30x 0.03888; TOPMed 0.01438; ExAC 0.02590.
gnomAD v4.1: 29,809 of 1,614,076 alleles (1.8%); highest among the groups gnomAD compares: East Asian, 13%; 804 homozygotes.

Submissions (7):

Women's Health and Genetics/Laboratory Corporation of America, LabCorp
Classification: Benign. Last evaluated: 2026-05-11. Review status: criteria provided, single submitter. Criteria: LabCorp Variant Classification Summary - May 2015. Collection method: clinical testing. Allele origin: germline.

Labcorp Genetics (formerly Invitae), Labcorp
Classification: Benign. Last evaluated: 2026-02-04. Review status: criteria provided, single submitter. Criteria: Invitae Variant Classification Sherloc (09022015). Collection method: clinical testing. Allele origin: germline.

Genome Diagnostics Laboratory, The Hospital for Sick Children
Classification: Benign for Connective tissue disorder. Last evaluated: 2022-05-12. Review status: criteria provided, single submitter. Criteria: ACMG Guidelines, 2015. Collection method: clinical testing. Allele origin: germline.

Mayo Clinic Laboratories, Mayo Clinic
Classification: Benign. Last evaluated: 2022-04-17. Review status: criteria provided, single submitter. Criteria: ACMG Guidelines, 2015. Collection method: clinical testing. Allele origin: germline. Observed: 6 variant alleles.

GeneDx
Classification: Benign. Last evaluated: 2016-10-11. Review status: criteria provided, single submitter. Criteria: GeneDx Variant Classification (06012015). Collection method: clinical testing. Allele origin: germline. Affected: yes.
Comment: This variant is considered likely benign or benign based on one or more of the following criteria: it is a conservative change, it occurs at a poorly conserved position in the protein, it is predicted to be benign by multiple in silico algorithms, and/or has population frequency not consistent with disease.

Eurofins Ntd Llc (ga)
Classification: Benign. Last evaluated: 2014-03-19. Review status: criteria provided, single submitter. Criteria: EGL Classification Definitions 2015. Collection method: clinical testing. Allele origin: germline. Observed: 1 variant allele, 1 heterozygote.

PreventionGenetics, part of Exact Sciences
Classification: Benign. Review status: criteria provided, single submitter. Criteria: ACMG Guidelines, 2015. Collection method: clinical testing. Allele origin: germline.